The following is an entry in ClinVar:

ClinVar aggregate classification (germline): Conflicting classifications of pathogenicity. Review status: criteria provided, conflicting classifications (1 of 4 stars). 4 submissions from 4 submitters: Uncertain significance (1); Likely benign (3). Last evaluated 2026-05-01.

Conditions:
Polymicrogyria. Identifiers: Orphanet 35981, MedGen C0266464, MONDO:0000087, HP:0002126.

Allele frequency attached by ClinVar (database versions not stated): 1000 Genomes Project 30x 0.00031; 1000 Genomes Project 0.00040; ExAC 0.00290; gnomAD exomes 0.00324 and 0.00488; TOPMed 0.00329; gnomAD 0.00371 and 0.00406; ESP Exome Variant Server 0.00431.
gnomAD v4.1: 7,668 of 1,612,484 alleles (0.48%); highest among the groups gnomAD compares: Non-Finnish European, 0.57%; 21 homozygotes.

Submissions (4):

CeGaT Center for Human Genetics Tuebingen
Classification: Likely benign. Last evaluated: 2026-05-01. Review status: criteria provided, single submitter. Criteria: CeGaT Center For Human Genetics Tuebingen Variant Classification Criteria Version 2. Collection method: clinical testing. Allele origin: germline. Affected: yes. Observed: 17 variant alleles.
Comment: LAMA5: BP4, BS2

Labcorp Genetics (formerly Invitae), Labcorp
Classification: Likely benign. Last evaluated: 2026-02-01. Review status: criteria provided, single submitter. Criteria: Invitae Variant Classification Sherloc (09022015). Collection method: clinical testing. Allele origin: germline.

Mayo Clinic Laboratories, Mayo Clinic
Classification: Likely benign. Last evaluated: 2025-11-28. Review status: criteria provided, single submitter. Criteria: ACMG Guidelines, 2015. Collection method: clinical testing. Allele origin: germline. Observed: 2 variant alleles.
Comment: BS1, BP4

Lupski Lab, Baylor-Hopkins CMG, Baylor College of Medicine
Classification: Uncertain significance for Polymicrogyria. Last evaluated: 2017-09-01. Review status: criteria provided, single submitter. Criteria: Wiszniewski et al. (Eur J Hum Genet. 2018). Collection method: research. Allele origin: inherited, unknown. Inheritance: Autosomal recessive inheritance. Affected: yes and no. Observed: 2 variant alleles.

Literature cited by the submitters: PubMed 29706646 (cited by Mayo Clinic Laboratories, Mayo Clinic).

NM_005560.6(LAMA5):c.10726G>A (p.Glu3576Lys)

Gene: LAMA5 (laminin subunit alpha 5; minus strand). Cytogenetic location: 20q13.33.
Variant type: single nucleotide variant.
Coding change: c.10726G>A on transcript NM_005560.6 (MANE Select); coding-DNA position 10726, G replaced by A.
Protein change: p.Glu3576Lys; replaces glutamic acid 3576 with lysine.
Molecular consequence: missense variant.
Genome position (GRCh38, 1-based): chr20:62,310,186, C>T on the plus strand (G>A on the coding strand, the complement: LAMA5 is on the minus strand). VCF-style: chr20-62310186-C-T. GRCh37 (hg19) VCF-style: chr20-60885242-C-T.
Other names: p.Glu3576Lys; short protein forms E3576K.
Identifiers: ClinVar variation 438605 (VCV000438605.34), dbSNP rs139502000, ClinGen allele CA9939670.